The following is an entry in ClinVar:

ClinVar aggregate classification (germline): Uncertain significance (1 of 4 stars; one submission).

Conditions:
Hypertrophic cardiomyopathy 25 (CMH25). Also called: CARDIOMYOPATHY, FAMILIAL HYPERTROPHIC, 25. Identifiers: MedGen C4225408, MONDO:0011843, OMIM 607487.
Primary familial hypertrophic cardiomyopathy (HCM). Identifiers: Orphanet 99739, MedGen C0949658, MeSH D024741, MONDO:0024573. Inheritance: Various modes of inheritance.

Submission:

Labcorp Genetics (formerly Invitae), Labcorp
Classification: Uncertain significance for Hypertrophic cardiomyopathy 25; Primary familial hypertrophic cardiomyopathy. Last evaluated: 2024-08-06. Review status: criteria provided, single submitter. Criteria: Invitae Variant Classification Sherloc (09022015). Collection method: clinical testing. Allele origin: germline.
Comment: This sequence change replaces serine, which is neutral and polar, with phenylalanine, which is neutral and non-polar, at codon 31 of the TCAP protein (p.Ser31Phe). This variant is not present in population databases (gnomAD no frequency). This variant has not been reported in the literature in individuals affected with TCAP-related conditions. An algorithm developed to predict the effect of missense changes on protein structure and function (PolyPhen-2) suggests that this variant is likely to be disruptive. In summary, the available evidence is currently insufficient to determine the role of this variant in disease. Therefore, it has been classified as a Variant of Uncertain Significance.

NM_003673.4(TCAP):c.92C>T (p.Ser31Phe)

Gene: TCAP (titin-cap; plus strand). Cytogenetic location: 17q12.
Variant type: single nucleotide variant.
Coding change: c.92C>T on transcript NM_003673.4 (MANE Select); coding-DNA position 92, C replaced by T.
Protein change: p.Ser31Phe; replaces serine 31 with phenylalanine.
Molecular consequence: missense variant.
Genome position (GRCh38, 1-based): chr17:39,665,451, C>T. VCF-style: chr17-39665451-C-T. GRCh37 (hg19) VCF-style: chr17-37821704-C-T.
Other names: short protein forms S31F.
Identifiers: ClinVar variation 3752969 (VCV003752969.2).